The following is an entry in ClinVar:

NM_019032.6(ADAMTSL4):c.2392C>T (p.Arg798Trp)

Gene: ADAMTSL4 (ADAMTS like 4; plus strand). Cytogenetic location: 1q21.2.
Variant type: single nucleotide variant.
Coding change: c.2392C>T on transcript NM_019032.6 (MANE Select); coding-DNA position 2392, C replaced by T.
Protein change: p.Arg798Trp; replaces arginine 798 with tryptophan.
Molecular consequence: missense variant.
Genome position (GRCh38, 1-based): chr1:150,558,482, C>T. VCF-style: chr1-150558482-C-T. GRCh37 (hg19) VCF-style: chr1-150530958-C-T.
Other names: c.2275C>T, p.Arg759Trp (NM_001288607.2); c.2461C>T, p.Arg821Trp (NM_001288608.2); c.2392C>T, p.Arg798Trp (NM_001378596.1, NM_025008.5); short protein forms R798W, R759W, R821W.
Identifiers: ClinVar variation 292552 (VCV000292552.8), dbSNP rs763279620, ClinGen allele CA1078658.

ClinVar aggregate classification (germline): Uncertain significance. Review status: criteria provided, multiple submitters, no conflicts (2 of 4 stars). 4 submissions from 3 submitters: Uncertain significance (4). Last evaluated 2023-04-11.

Conditions:
Ectopia lentis et pupillae. Also called: ECTOPIA LENTIS WITH ECTOPIA OF PUPIL. Identifiers: Orphanet 1885, MedGen C1644196, MONDO:0009153, OMIM 225200.
Ectopia lentis 2, isolated, autosomal recessive (ECTOL2). Identifiers: Orphanet 1885, MedGen C3541474, MONDO:0009152, OMIM 225100.

Allele frequency attached by ClinVar (database versions not stated): gnomAD 0.00005 and 0.00006; TOPMed 0.00008.
gnomAD v4.1: 185 of 1,613,442 alleles (0.011%); highest among the groups gnomAD compares: Middle Eastern, 0.23%; no homozygotes.

Submissions (4):

Genome-Nilou Lab
Classification: Uncertain significance for Ectopia lentis et pupillae. Last evaluated: 2023-04-11. Review status: criteria provided, single submitter. Criteria: ACMG Guidelines, 2015. Collection method: clinical testing. Allele origin: germline. Affected: no.

Genome-Nilou Lab
Classification: Uncertain significance for Ectopia lentis 2, isolated, autosomal recessive. Last evaluated: 2023-04-11. Review status: criteria provided, single submitter. Criteria: ACMG Guidelines, 2015. Collection method: clinical testing. Allele origin: germline. Affected: no.

Labcorp Genetics (formerly Invitae), Labcorp
Classification: Uncertain significance. Last evaluated: 2022-09-13. Review status: criteria provided, single submitter. Criteria: Invitae Variant Classification Sherloc (09022015). Collection method: clinical testing. Allele origin: germline.
Comment: This sequence change replaces arginine, which is basic and polar, with tryptophan, which is neutral and slightly polar, at codon 798 of the ADAMTSL4 protein (p.Arg798Trp). This variant is present in population databases (rs763279620, gnomAD 0.03%). This variant has not been reported in the literature in individuals affected with ADAMTSL4-related conditions. ClinVar contains an entry for this variant (Variation ID: 292552). Advanced modeling of protein sequence and biophysical properties (such as structural, functional, and spatial information, amino acid conservation, physicochemical variation, residue mobility, and thermodynamic stability) performed at Invitae indicates that this missense variant is not expected to disrupt ADAMTSL4 protein function. In summary, the available evidence is currently insufficient to determine the role of this variant in disease. Therefore, it has been classified as a Variant of Uncertain Significance.

Illumina Laboratory Services, Illumina
Classification: Uncertain significance for Ectopia lentis 2, isolated, autosomal recessive. Last evaluated: 2018-01-12. Review status: criteria provided, single submitter. Criteria: ICSL Variant Classification Criteria 13 December 2019. Collection method: clinical testing. Allele origin: germline.